The following is an entry in ClinVar:

ClinVar aggregate classification (germline): Pathogenic (1 of 4 stars; one submission).

Submission:

Labcorp Genetics (formerly Invitae), Labcorp
Classification: Pathogenic. Last evaluated: 2021-06-10. Review status: criteria provided, single submitter. Criteria: Invitae Variant Classification Sherloc (09022015). Collection method: clinical testing. Allele origin: germline.
Comment: This sequence change creates a premature translational stop signal (p.Asn441Tyrfs*2) in the VPS13A gene. It is expected to result in an absent or disrupted protein product. Loss-of-function variants in VPS13A are known to be pathogenic (PMID: 12404112, 21598378). This variant is not present in population databases (ExAC no frequency). This variant has not been reported in the literature in individuals with VPS13A-related conditions. For these reasons, this variant has been classified as Pathogenic.

Literature cited by the submitters: PubMed 12404112; PubMed 21598378.

NM_033305.3(VPS13A):c.1321_1322del (p.Asn441fs)

Gene: VPS13A (vacuolar protein sorting 13 homolog A; plus strand). Cytogenetic location: 9q21.2.
Variant type: Deletion.
Coding change: c.1321_1322del on transcript NM_033305.3 (MANE Select); coding-DNA positions 1321 to 1322, 2 bases deleted (AA; older notation c.1321_1322delAA).
Protein change: p.Asn441fs; shifts the reading frame from asparagine 441.
Molecular consequence: frameshift variant.
Genome position (GRCh38, 1-based): chr9:77,226,562-77,226,563, AA deleted; deleting any 2 consecutive bases within chr9:77,226,560-77,226,563 gives the same sequence; the c. name uses the placement nearest the transcript's 3' end. VCF-style (leftmost placement, unchanged base first): chr9-77226559-CAA-C. GRCh37 (hg19) VCF-style: chr9-79841475-CAA-C.
Other names: c.1321_1322del, p.Asn441fs (NM_001018037.2, NM_001018038.3, NM_015186.4); short protein forms N441fs.
Identifiers: ClinVar variation 1371310 (VCV001371310.6), dbSNP rs2131195691, ClinGen allele CA2573144700.
Genomic context (GRCh38, chr9:77,226,559, plus strand): 5'-GGAGTAAAAGATCCAGAGGATAATAAAGGGTGGTTTAGCTGGCTATGGTCTTGGTCAGAA[CAA>C]AATACTAATGAACAGCAACCAGATGTTCAACCTGAAAGTATGTCCATTTCATTTTACAGC-3'